The following is an entry in ClinVar:

NM_001377265.1(MAPT):c.643C>T (p.Pro215Ser)

Gene: MAPT (microtubule associated protein tau). Cytogenetic location: 17q21.31.
Variant type: single nucleotide variant.
Coding change: c.643C>T on transcript NM_001377265.1 (MANE Select); coding-DNA position 643, C replaced by T.
Protein change: p.Pro215Ser; replaces proline 215 with serine.
Molecular consequence: missense variant. On other transcripts: intron variant (8).
Genome position (GRCh38, 1-based): chr17:45,983,222, C>T. VCF-style: chr17-45983222-C-T. GRCh37 (hg19) VCF-style: chr17-44060588-C-T.
Other names: c.418C>T, p.Pro140Ser (NM_001123066.4, NM_016835.5); c.643C>T, p.Pro215Ser (NM_001377266.1); c.200-3818C>T (NM_001377268.1, NM_016834.5, NM_016841.5); c.374-3818C>T (NM_005910.6, NM_001203252.2); c.287-3818C>T (NM_001123067.4, NM_001203251.2, NM_001377267.1); c.418C>T (NM_001123066.3); short protein forms P140S, P215S.
Identifiers: ClinVar variation 706054 (VCV000706054.13), dbSNP rs151115928, ClinGen allele CA8617674.

ClinVar aggregate classification (germline): Benign. Review status: criteria provided, single submitter (1 of 4 stars). 2 submissions from 2 submitters: Benign (1). 1 of the submissions does not count toward it. Last evaluated 2022-07-05.

Conditions:
MAPT-related disorder. Also called: MAPT-Related Disorders; MAPT-related condition.
Frontotemporal dementia (FTD1). Also called: FRONTOTEMPORAL LOBAR DEGENERATION WITH TAU INCLUSIONS; FTLD WITH TAU INCLUSIONS; Dementia, frontotemporal, with or without parkinsonism; WILHELMSEN-LYNCH DISEASE; Frontotemporal lobe dementia (FLDEM); Frontotemporal Dementia with Parkinsonism-17 (FTDP-17). Identifiers: Orphanet 282, MedGen C0338451, MONDO:0017276, OMIM 600274, HP:0002145.

Allele frequency attached by ClinVar (database versions not stated): gnomAD 0.00019 and 0.00025; gnomAD exomes 0.00023 and 0.00059; TOPMed 0.00032; ExAC 0.00073; 1000 Genomes Project 30x 0.00078; 1000 Genomes Project 0.00100.

Submissions (2):

Labcorp Genetics (formerly Invitae), Labcorp
Classification: Benign for Frontotemporal dementia. Last evaluated: 2022-07-05. Review status: criteria provided, single submitter. Criteria: Invitae Variant Classification Sherloc (09022015). Collection method: clinical testing. Allele origin: germline.

PreventionGenetics, part of Exact Sciences
Classification: Likely benign for MAPT-related condition. Last evaluated: 2022-08-24. Review status: no assertion criteria provided. Collection method: clinical testing. Allele origin: germline. Not counted in ClinVar's aggregate classification.
Comment: This variant is classified as likely benign based on ACMG/AMP sequence variant interpretation guidelines (Richards et al. 2015 PMID: 25741868, with internal and published modifications).